The following is an entry in ClinVar:

NM_174878.3(CLRN1):c.93del (p.Leu32fs)

Gene: CLRN1 (clarin 1; minus strand). Cytogenetic location: 3q25.1.
Variant type: Deletion.
Coding change: c.93del on transcript NM_174878.3 (MANE Select); coding-DNA position 93, one base deleted (G; older notation c.93delG).
Protein change: p.Leu32fs; shifts the reading frame from leucine 32.
Molecular consequence: frameshift variant. On other transcripts: non-coding transcript variant (1).
Genome position (GRCh38, 1-based): chr3:150,972,616, C deleted on the plus strand (G on the coding strand, the reverse complement: CLRN1 is on the minus strand). VCF-style (leftmost placement, unchanged base first): chr3-150972615-AC-A. GRCh37 (hg19) VCF-style: chr3-150690402-AC-A.
Other names: p.(Leu32CysfsTer40); c.93del, p.Leu32fs (NM_001195794.1, NM_001256819.2); short protein forms L32fs.
Identifiers: ClinVar variation 3901118 (VCV003901118.1).

ClinVar aggregate classification (germline): Likely pathogenic (0 of 4 stars; one submission).

Conditions:
Retinitis pigmentosa 61 (RP61). Identifiers: Orphanet 791, MedGen C3280041, MONDO:0013610, OMIM 614180.

Submission:

Medical Genetics, Faculty of Medicine, Dokuz Eylül University
Classification: Likely pathogenic for Retinitis pigmentosa 61. Last evaluated: 2025-06-03. Review status: no assertion criteria provided. Collection method: clinical testing. Allele origin: germline. Inheritance: Autosomal dominant inheritance. Observed: 1 heterozygote.
Comment: This variant, which is located in the first exon and coding region of the gene, is predicted to lead to frameshift and premature stop codon formation, and the variant has not been previously reported in databases and literature.